The following is an entry in ClinVar:

NM_018668.5(VPS33B):c.1685G>A (p.Ser562Asn)

Gene: VPS33B (VPS33B late endosome and lysosome associated; minus strand). Cytogenetic location: 15q26.1.
Variant type: single nucleotide variant.
Coding change: c.1685G>A on transcript NM_018668.5 (MANE Select); coding-DNA position 1685, G replaced by A.
Protein change: p.Ser562Asn; replaces serine 562 with asparagine.
Molecular consequence: missense variant.
Genome position (GRCh38, 1-based): chr15:90,999,766, C>T on the plus strand (G>A on the coding strand, the complement: VPS33B is on the minus strand). VCF-style: chr15-90999766-C-T. GRCh37 (hg19) VCF-style: chr15-91542996-C-T.
Other names: c.1604G>A, p.Ser535Asn (NM_001289148.1); c.1412G>A, p.Ser471Asn (NM_001289149.1); short protein forms S562N, S471N, S535N.
Identifiers: ClinVar variation 499620 (VCV000499620.10), dbSNP rs566630364, ClinGen allele CA7744540.

ClinVar aggregate classification (germline): Uncertain significance. Review status: criteria provided, multiple submitters, no conflicts (2 of 4 stars). 3 submissions from 3 submitters: Uncertain significance (3). Last evaluated 2022-08-21.

Conditions:
Arthrogryposis, renal dysfunction, and cholestasis 1 (ARCS1). Identifiers: Orphanet 2697, MedGen C1859722, MONDO:0008822, OMIM 208085.

Allele frequency attached by ClinVar (database versions not stated): gnomAD 0.00001 and 0.00003; ExAC 0.00004; 1000 Genomes Project 30x 0.00016; 1000 Genomes Project 0.00020.
gnomAD v4.1: 64 of 1,614,222 alleles (0.004%); highest among the groups gnomAD compares: South Asian, 0.048%; 1 homozygote.

Submissions (3):

Labcorp Genetics (formerly Invitae), Labcorp
Classification: Uncertain significance. Last evaluated: 2022-08-21. Review status: criteria provided, single submitter. Criteria: Invitae Variant Classification Sherloc (09022015). Collection method: clinical testing. Allele origin: germline.
Comment: In summary, the available evidence is currently insufficient to determine the role of this variant in disease. Therefore, it has been classified as a Variant of Uncertain Significance. Algorithms developed to predict the effect of missense changes on protein structure and function are either unavailable or do not agree on the potential impact of this missense change (SIFT: "Not Available"; PolyPhen-2: "Benign"; Align-GVGD: "Not Available"). ClinVar contains an entry for this variant (Variation ID: 499620). This variant has not been reported in the literature in individuals affected with VPS33B-related conditions. This variant is present in population databases (rs566630364, gnomAD 0.05%), including at least one homozygous and/or hemizygous individual. This sequence change replaces serine, which is neutral and polar, with asparagine, which is neutral and polar, at codon 562 of the VPS33B protein (p.Ser562Asn).

Fulgent Genetics
Classification: Uncertain significance for Arthrogryposis, renal dysfunction, and cholestasis 1. Last evaluated: 2018-10-31. Review status: criteria provided, single submitter. Criteria: ACMG Guidelines, 2015. Collection method: clinical testing. Allele origin: unknown.

Eurofins Ntd Llc (ga)
Classification: Uncertain significance. Last evaluated: 2017-01-03. Review status: criteria provided, single submitter. Criteria: EGL Classification Definitions 2015. Collection method: clinical testing. Allele origin: germline. Observed: 1 variant allele, 1 heterozygote.